The following is an entry in ClinVar:

ClinVar aggregate classification (germline): Likely benign. Review status: criteria provided, multiple submitters, no conflicts (2 of 4 stars). 4 submissions from 4 submitters: Likely benign (4). Last evaluated 2026-07-23.

Conditions:
SMARCA4-related disorder. Also called: SMARCA4-related condition.
Hereditary cancer-predisposing syndrome. Also called: Neoplastic Syndromes, Hereditary; Tumor predisposition; Hereditary Cancer Syndrome; Hereditary neoplastic syndrome. Identifiers: Orphanet 140162, MedGen C0027672, MeSH D009386, MONDO:0015356.
Rhabdoid tumor predisposition syndrome 2 (RTPS2). Identifiers: Orphanet 231108, Orphanet 69077, MedGen C2750074, MONDO:0013224, OMIM 613325.

Submissions (4):

PreventionGenetics, part of Exact Sciences
Classification: Likely benign for SMARCA4-related condition. Last evaluated: 2026-07-23. Review status: criteria provided, single submitter. Criteria: ACMG Guidelines, 2015. Collection method: clinical testing. Allele origin: germline.
Comment: This variant is classified as likely benign based on ACMG/AMP sequence variant interpretation guidelines (Richards et al. 2015 PMID: 25741868, with internal and published modifications).

Labcorp Genetics (formerly Invitae), Labcorp
Classification: Likely benign for Rhabdoid tumor predisposition syndrome 2. Last evaluated: 2025-12-29. Review status: criteria provided, single submitter. Criteria: Invitae Variant Classification Sherloc (09022015). Collection method: clinical testing. Allele origin: germline.

Quest Diagnostics Nichols Institute San Juan Capistrano
Classification: Likely benign. Last evaluated: 2025-07-25. Review status: criteria provided, single submitter. Criteria: Quest Diagnostics criteria. Collection method: clinical testing. Allele origin: unknown.

Ambry Genetics
Classification: Likely benign for Hereditary cancer-predisposing syndrome. Last evaluated: 2021-04-13. Review status: criteria provided, single submitter. Criteria: Ambry Variant Classification Scheme 2023. Collection method: clinical testing. Allele origin: germline.

Literature cited by the submitters: PubMed 33144586 (cited by Quest Diagnostics Nichols Institute San Juan Capistrano).

NM_003072.5(SMARCA4):c.696TGGCCC[1] (p.229GP[6])

Gene: SMARCA4 (SWI/SNF related BAF chromatin remodeling complex subunit ATPase 4; plus strand). Cytogenetic location: 19p13.2.
Variant type: Microsatellite.
Coding change: c.696TGGCCC[1] on transcript NM_003072.5 (MANE Select); one copy of the 6-base unit TGGCCC starting at c.696; the reference has three copies in a row; two copies, 12 bases deleted.
Protein change: p.229GP[6].
Molecular consequence: inframe deletion. On other transcripts: non-coding transcript variant (1).
Genome position (GRCh38, 1-based): chr19:10,986,535-10,986,546, TGGCCCTGGCCC deleted; deleting any 12 consecutive bases within chr19:10,986,524-10,986,546 gives the same sequence; the position shown is the placement nearest the transcript's 3' end. VCF-style (leftmost placement, unchanged base first): chr19-10986523-CGGCCCTGGCCCT-C. GRCh37 (hg19) VCF-style: chr19-11097199-CGGCCCTGGCCCT-C.
Other names: c.702_713del (NM_001128849.1); c.696TGGCCC[1], p.229GP[6] (NM_001128844.3, NM_001128845.2, NM_001128846.2 and 5 more transcripts).
Identifiers: ClinVar variation 408652 (VCV000408652.17), dbSNP rs372601826, ClinGen allele CA9203544.